The following is an entry in ClinVar:

NM_001382391.1(CSPP1):c.2633C>T (p.Ser878Phe)

Gene: CSPP1 (centrosome and spindle pole associated protein 1; plus strand). Cytogenetic location: 8q13.2.
Variant type: single nucleotide variant.
Coding change: c.2633C>T on transcript NM_001382391.1 (MANE Select); coding-DNA position 2633, C replaced by T.
Protein change: p.Ser878Phe; replaces serine 878 with phenylalanine.
Molecular consequence: missense variant.
Genome position (GRCh38, 1-based): chr8:67,161,905, C>T. VCF-style: chr8-67161905-C-T. GRCh37 (hg19) VCF-style: chr8-68074140-C-T.
Other names: c.1583C>T, p.Ser528Phe (NM_001291339.2); c.2552C>T, p.Ser851Phe (NM_001363131.2); c.2438C>T, p.Ser813Phe (NM_001363132.2); c.2357C>T, p.Ser786Phe (NM_001363133.2); c.2699C>T, p.Ser900Phe (NM_001364869.1); c.2519C>T, p.Ser840Phe (NM_001364870.1); c.2618C>T, p.Ser873Phe (NM_024790.7); short protein forms S813F, S840F, S528F, S851F, S873F, S786F, S878F, S900F.
Identifiers: ClinVar variation 1376114 (VCV001376114.6), dbSNP rs2129561809, ClinGen allele CA371192502.

ClinVar aggregate classification (germline): Uncertain significance (1 of 4 stars; one submission).

Conditions:
Joubert syndrome 21 (JBTS21). Identifiers: MedGen C3810212, MONDO:0014288, OMIM 615636.

Allele frequency attached by ClinVar (database versions not stated): gnomAD exomes below 0.00001.
gnomAD v4.1: 2 of 1,598,534 alleles (0.00013%); highest among the groups gnomAD compares: Non-Finnish European, 0.00017%; no homozygotes.

Submission:

Labcorp Genetics (formerly Invitae), Labcorp
Classification: Uncertain significance for Joubert syndrome 21. Last evaluated: 2021-08-31. Review status: criteria provided, single submitter. Criteria: Invitae Variant Classification Sherloc (09022015). Collection method: clinical testing. Allele origin: germline.
Comment: Algorithms developed to predict the effect of missense changes on protein structure and function are either unavailable or do not agree on the potential impact of this missense change (SIFT: "Tolerated"; PolyPhen-2: "Probably Damaging"; Align-GVGD: "Class C0"). In summary, the available evidence is currently insufficient to determine the role of this variant in disease. Therefore, it has been classified as a Variant of Uncertain Significance. This variant has not been reported in the literature in individuals affected with CSPP1-related conditions. This variant is not present in population databases (ExAC no frequency). This sequence change replaces serine with phenylalanine at codon 873 of the CSPP1 protein (p.Ser873Phe). The serine residue is moderately conserved and there is a large physicochemical difference between serine and phenylalanine.